The following is an entry in ClinVar:

NM_014795.4(ZEB2):c.1135_1138dup (p.Ser380delinsThrTer)

Gene: ZEB2 (zinc finger E-box binding homeobox 2; minus strand). Cytogenetic location: 2q22.3.
Variant type: Duplication.
Coding change: c.1135_1138dup on transcript NM_014795.4 (MANE Select); coding-DNA positions 1135 to 1138, 4 bases duplicated (CTTA; older notation c.1135_1138dupCTTA).
Protein change: p.Ser380delinsThrTer.
Molecular consequence: nonsense.
Genome position (GRCh38, 1-based): chr2:144,400,049-144,400,052, TAAG duplicated on the plus strand (CTTA on the coding strand, the reverse complement: ZEB2 is on the minus strand); duplicating any 4 consecutive bases within chr2:144,400,049-144,400,053 gives the same sequence; the c. name uses the placement nearest the transcript's 3' end. VCF-style (leftmost placement, unchanged base first): chr2-144400048-C-CTAAG. GRCh37 (hg19) VCF-style: chr2-145157615-C-CTAAG.
Other names: c.1135_1138dupCTTA (NM_014795.3); c.1063_1066dup, p.Ser356delinsThrTer (NM_001171653.2).
Identifiers: ClinVar variation 504152 (VCV000504152.3), dbSNP rs1553961749, ClinGen allele CA658795851.
Genomic context (GRCh38, chr2:144,400,048, plus strand): 5'-TAGTCATTGAAGTCTAGTGGTTCTGTTTTAATTTTAAGTAAGCCTGTCTGTTCAGACATA[C>CTAAG]TAAGTGGTTTTCCATTCTCCAACTTGTTTCTTAACTGGGTAATGGCTGAATTAGTAGGAG-3'

ClinVar aggregate classification (germline): Pathogenic (1 of 4 stars; one submission).

Submission:

GeneDx
Classification: Pathogenic. Last evaluated: 2021-06-07. Review status: criteria provided, single submitter. Criteria: GeneDx Variant Classification Process June 2021. Collection method: clinical testing. Allele origin: germline. Affected: yes.
Comment: Frameshift variant predicted to result in protein truncation or nonsense mediated decay in a gene for which loss-of-function is a known mechanism of disease; Not observed at significant frequency in large population cohorts (Lek et al., 2016); Has not been previously published as pathogenic or benign to our knowledge; This variant is associated with the following publications: (PMID: 27535533)